The following is an entry in ClinVar:

ClinVar aggregate classification (germline): Uncertain significance (1 of 4 stars; one submission).

Conditions:
Inborn genetic diseases. Identifiers: MedGen C0950123, MeSH D030342.

Allele frequency attached by ClinVar (database versions not stated): gnomAD 0.00001.
gnomAD v4.1: 2 of 1,607,562 alleles (0.00012%); highest among the groups gnomAD compares: Non-Finnish European, 0.00017%; no homozygotes.

Submission:

Ambry Genetics
Classification: Uncertain significance for Inborn genetic diseases. Last evaluated: 2022-01-07. Review status: criteria provided, single submitter. Criteria: Ambry Variant Classification Scheme 2023. Collection method: clinical testing. Allele origin: germline.
Comment: The c.443-2A>T intronic variant results from an A to T substitution two nucleotides upstream from coding exon 3 in the SPG11 gene. Alterations that disrupt the canonical splice site are expected to result in aberrant splicing. In silico splice site analysis for this alteration is inconclusive. The resulting transcript is predicted to be in-frame and is not expected to trigger nonsense-mediated mRNA decay; however, direct evidence is unavailable. The exact functional effect of the altered amino acid sequence is unknown. This nucleotide position is highly conserved in available vertebrate species. Since supporting evidence is limited at this time, the clinical significance of this alteration remains unclear.

NM_025137.4(SPG11):c.443-2A>T

Gene: SPG11 (SPG11 vesicle trafficking associated, spatacsin; minus strand). Cytogenetic location: 15q21.1.
Variant type: single nucleotide variant.
Coding change: c.443-2A>T on transcript NM_025137.4 (MANE Select); the canonical splice acceptor site of the intron before coding-DNA position 443, A replaced by T.
Molecular consequence: splice acceptor variant.
Genome position (GRCh38, 1-based): chr15:44,659,305, T>A on the plus strand (A>T on the coding strand, the complement: SPG11 is on the minus strand). VCF-style: chr15-44659305-T-A. GRCh37 (hg19) VCF-style: chr15-44951503-T-A.
Other names: c.443-2A>T (NM_001411132.1, NM_001160227.2).
Identifiers: ClinVar variation 1740566 (VCV001740566.2), dbSNP rs2085034633, ClinGen allele CA392238050.